The following is an entry in ClinVar:

ClinVar aggregate classification (germline): Uncertain significance (1 of 4 stars; one submission).

Conditions:
Hereditary cancer-predisposing syndrome. Also called: Neoplastic Syndromes, Hereditary; Tumor predisposition; Hereditary Cancer Syndrome; Hereditary neoplastic syndrome. Identifiers: Orphanet 140162, MedGen C0027672, MeSH D009386, MONDO:0015356.

Submission:

Ambry Genetics
Classification: Uncertain significance for Hereditary cancer-predisposing syndrome. Last evaluated: 2021-12-13. Review status: criteria provided, single submitter. Criteria: Ambry Variant Classification Scheme 2023. Collection method: clinical testing. Allele origin: germline.
Comment: The p.K1001E variant (also known as c.3001A>G), located in coding exon 4 of the MSH6 gene, results from an A to G substitution at nucleotide position 3001. The lysine at codon 1001 is replaced by glutamic acid, an amino acid with similar properties. This amino acid position is highly conserved in available vertebrate species. In addition, this alteration is predicted to be deleterious by in silico analysis. Since supporting evidence is limited at this time, the clinical significance of this alteration remains unclear.

NM_000179.3(MSH6):c.3001A>G (p.Lys1001Glu)

Gene: MSH6 (mutS homolog 6; plus strand). Cytogenetic location: 2p16.3.
Variant type: single nucleotide variant.
Coding change: c.3001A>G on transcript NM_000179.3 (MANE Select); coding-DNA position 3001, A replaced by G.
Protein change: p.Lys1001Glu; replaces lysine 1001 with glutamic acid.
Molecular consequence: missense variant.
Genome position (GRCh38, 1-based): chr2:47,800,984, A>G. VCF-style: chr2-47800984-A-G. GRCh37 (hg19) VCF-style: chr2-48028123-A-G.
Other names: c.2611A>G, p.Lys871Glu (NM_001281492.2); c.2095A>G, p.Lys699Glu (NM_001281493.2, NM_001281494.2, NM_001406811.1 and 6 more transcripts); c.3097A>G, p.Lys1033Glu (NM_001406795.1, NM_001406802.1); c.3001A>G, p.Lys1001Glu (NM_001406796.1, NM_001406798.1, NM_001406800.1 and 2 more transcripts); c.2704A>G, p.Lys902Glu (NM_001406797.1, NM_001406801.1, NM_001406805.1 and 10 more transcripts); c.2476A>G, p.Lys826Glu (NM_001406799.1, NM_001406806.1, NM_001406807.1); c.2923A>G, p.Lys975Glu (NM_001406804.1); c.3007A>G, p.Lys1003Glu (NM_001406813.1); and 2 more; short protein forms K1001E, K1003E, K902E, K699E, K826E, K975E, K316E, K871E.
Identifiers: ClinVar variation 1798700 (VCV001798700.2), dbSNP rs2104435352, ClinGen allele CA346756399.
Genomic context (GRCh38, chr2:47,800,984, plus strand): 5'-ATTCCTGAGAATTTCACCACTCGCAATTTGCCAGAAGAATACGAGTTGAAATCTACCAAG[A>G]AGGGCTGTAAACGATACTGGACCAAAACTATTGAAAAGAAGTTGGCTAATCTCATAAATG-3'
Protein context (NP_000170.1, residues 991-1011): PEEYELKSTK[Lys1001Glu]GCKRYWTKTI